The following is an entry in ClinVar:

ClinVar aggregate classification (germline): Likely benign (1 of 4 stars; one submission).

Submission:

CeGaT Center for Human Genetics Tuebingen
Classification: Likely benign. Last evaluated: 2026-04-01. Review status: criteria provided, single submitter. Criteria: CeGaT Center For Human Genetics Tuebingen Variant Classification Criteria Version 2. Collection method: clinical testing. Allele origin: germline. Affected: yes. Observed: 1 variant allele.
Comment: TTN: PM2:Supporting, BP4, BP7

NM_001267550.2(TTN):c.12009G>A (p.Arg4003=)

Gene: TTN (titin; minus strand). Cytogenetic location: 2q31.2.
Variant type: single nucleotide variant.
Coding change: c.12009G>A on transcript NM_001267550.2 (MANE Select); coding-DNA position 12009, G replaced by A.
Protein change: p.Arg4003=; no amino-acid change (arginine 4003 retained).
Molecular consequence: synonymous variant. On other transcripts: intron variant (1).
Genome position (GRCh38, 1-based): chr2:178,741,224, C>T on the plus strand (G>A on the coding strand, the complement: TTN is on the minus strand). VCF-style: chr2-178741224-C-T. GRCh37 (hg19) VCF-style: chr2-179605951-C-T.
Other names: c.11058G>A, p.Arg3686= (NM_001256850.1); c.10920G>A, p.Arg3640= (NM_003319.4); c.11295G>A, p.Arg3765= (NM_133432.3); c.11496G>A, p.Arg3832= (NM_133437.4); c.10361-2864G>A (NM_133378.4).
Identifiers: ClinVar variation 3390279 (VCV003390279.14).